The following is an entry in ClinVar:

NM_000038.6(APC):c.3329C>A (p.Ser1110Ter)

Gene: APC (APC regulator of Wnt signaling pathway; plus strand). Cytogenetic location: 5q22.2.
Variant type: single nucleotide variant.
Coding change: c.3329C>A on transcript NM_000038.6 (MANE Select); coding-DNA position 3329, C replaced by A.
Protein change: p.Ser1110Ter; replaces serine 1110 with a stop codon.
Molecular consequence: nonsense.
Genome position (GRCh38, 1-based): chr5:112,838,923, C>A. VCF-style: chr5-112838923-C-A. GRCh37 (hg19) VCF-style: chr5-112174620-C-A.
Other names: c.3329C>A, p.Ser1110Ter (NM_001127510.3, NM_001354895.2); c.3275C>A, p.Ser1092Ter (NM_001127511.3); c.3383C>A, p.Ser1128Ter (NM_001354896.2); c.3359C>A, p.Ser1120Ter (NM_001354897.2); c.3254C>A, p.Ser1085Ter (NM_001354898.2); c.3245C>A, p.Ser1082Ter (NM_001354899.2); c.3206C>A, p.Ser1069Ter (NM_001354900.2); c.3152C>A, p.Ser1051Ter (NM_001354901.2); and 5 more; short protein forms S1085*, S1120*, S1128*, S827*, S984*, S1082*, S1092*, S1110*.
Identifiers: ClinVar variation 851718 (VCV000851718.11), dbSNP rs1580634079, ClinGen allele CA16028632.
Genomic context (GRCh38, chr5:112,838,923, plus strand): 5'-AACCACATTTTGGACAGCAGGAATGTGTTTCTCCATACAGGTCACGGGGAGCCAATGGTT[C>A]AGAAACAAATCGAGTGGGTTCTAATCATGGAATTAATCAAAATGTAAGCCAGTCTTTGTG-3'

ClinVar aggregate classification (germline): Pathogenic (1 of 4 stars; one submission).

Conditions:
Familial adenomatous polyposis 1 (FAP1). Also called: FAMILIAL ADENOMATOUS POLYPOSIS 1, ATTENUATED; POLYPOSIS, ADENOMATOUS INTESTINAL. Identifiers: MedGen C2713442, MONDO:0021056, OMIM 175100. Disease mechanism: loss of function.

Submission:

Labcorp Genetics (formerly Invitae), Labcorp
Classification: Pathogenic for Familial adenomatous polyposis 1. Last evaluated: 2024-04-10. Review status: criteria provided, single submitter. Criteria: Invitae Variant Classification Sherloc (09022015). Collection method: clinical testing. Allele origin: germline.
Comment: This sequence change creates a premature translational stop signal (p.Ser1110*) in the APC gene. While this is not anticipated to result in nonsense mediated decay, it is expected to disrupt the last 1734 amino acid(s) of the APC protein. This variant is not present in population databases (gnomAD no frequency). This premature translational stop signal has been observed in individual(s) with familial adenomatous polyposis (PMID: 19531215). ClinVar contains an entry for this variant (Variation ID: 851718). This variant is expected to disrupt the EB1 and HDLG binding sites, which mediate interactions with the cytoskeleton (PMID: 15311282, 17293347). While functional studies have not been performed to directly test the effect on APC protein function, this suggests that disruption of the C-terminal portion of the protein is functionally important. A different truncation (p.Tyr2645Lysfs*14) that lies downstream of this variant has been determined to be pathogenic (PMID: 9824584, 1316610, 27081525, 8381579, 22135120, Invitae). This suggests that deletion of this region of the APC protein is causative of disease. For these reasons, this variant has been classified as Pathogenic.

Literature cited by the submitters: PubMed 19531215; PubMed 15311282; PubMed 17293347; PubMed 9824584; PubMed 1316610; PubMed 27081525; PubMed 8381579; PubMed 22135120.